The following is an entry in ClinVar:

NM_000393.5(COL5A2):c.1369A>G (p.Ser457Gly)

Gene: COL5A2 (collagen type V alpha 2 chain; minus strand). Cytogenetic location: 2q32.2.
Variant type: single nucleotide variant.
Coding change: c.1369A>G on transcript NM_000393.5 (MANE Select); coding-DNA position 1369, A replaced by G.
Protein change: p.Ser457Gly; replaces serine 457 with glycine.
Molecular consequence: missense variant.
Genome position (GRCh38, 1-based): chr2:189,068,047, T>C on the plus strand (A>G on the coding strand, the complement: COL5A2 is on the minus strand). VCF-style: chr2-189068047-T-C. GRCh37 (hg19) VCF-style: chr2-189932773-T-C.
Other names: short protein forms S457G.
Identifiers: ClinVar variation 853975 (VCV000853975.10), dbSNP rs1686190878, ClinGen allele CA349852673.

ClinVar aggregate classification (germline): Uncertain significance (1 of 4 stars; one submission).

Conditions:
Ehlers-Danlos syndrome, classic type, 1 (EDSCL1). Also called: Ehlers-Danlos syndrome, type 1; Ehlers-Danlos Syndrome, Classic Type, COL5A1-Related; EDS I; EHLERS-DANLOS SYNDROME, GRAVIS TYPE; EHLERS-DANLOS SYNDROME, SEVERE CLASSIC TYPE. Identifiers: MedGen C0268335, MONDO:0019567, OMIM 130000.

Submission:

Labcorp Genetics (formerly Invitae), Labcorp
Classification: Uncertain significance for Ehlers-Danlos syndrome, classic type, 1. Last evaluated: 2019-05-09. Review status: criteria provided, single submitter. Criteria: Invitae Variant Classification Sherloc (09022015). Collection method: clinical testing. Allele origin: germline.
Comment: In summary, the available evidence is currently insufficient to determine the role of this variant in disease. Therefore, it has been classified as a Variant of Uncertain Significance. Algorithms developed to predict the effect of missense changes on protein structure and function (SIFT, PolyPhen-2, Align-GVGD) all suggest that this variant is likely to be disruptive, but these predictions have not been confirmed by published functional studies and their clinical significance is uncertain. This variant has not been reported in the literature in individuals with COL5A2-related conditions. This variant is not present in population databases (ExAC no frequency). This sequence change replaces serine with glycine at codon 457 of the COL5A2 protein (p.Ser457Gly). The serine residue is highly conserved and there is a small physicochemical difference between serine and glycine.